The following is an entry in ClinVar:

ClinVar aggregate classification (germline): Uncertain significance (1 of 4 stars; one submission).

Submission:

GeneDx
Classification: Uncertain significance. Last evaluated: 2015-08-25. Review status: criteria provided, single submitter. Criteria: GeneDx Variant Classification (06012015). Collection method: clinical testing. Allele origin: germline. Affected: yes.
Comment: This variant is denoted XRCC2 c.767_768delTTinsAG at the cDNA level, p.Val256Glu (V256E) at the protein level. The normal sequence, with the bases that are deleted in braces and inserted in brackets, is TTAG[TT][AG]TCAC. This in frame deletion and insertion occurs on the same allele (in cis) and results in the missense change of a Valine to a Glutamic Acid (GTT>GAG). This variant has not, to our knowledge, been published in the literature as pathogenic or benign. Neither XRCC2 c.767_768delTTinsAG nor XRCC2 Val256Glu (by this or an alternate nucleotide change) was observed in approximately 6,500 individuals of European and African American ancestry in the NHLBI Exome Sequencing Project, indicating it is not a common benign variant in these populations. Since Valine and Glutamic Acid differ in polarity, charge, size or other properties, this is considered a non-conservative amino acid substitution. XRCC2 Val256Glu occurs at a position that is not conserved and is not located in a known functional domain (UniProt). In silico analyses are inconsistent regarding the effect this variant may have on protein structure and function. Based on currently available information, we consider XRCC2 Val256Glu to be a variant of uncertain significance.

NM_005431.2(XRCC2):c.767_768delinsAG (p.Val256Glu)

Gene: XRCC2 (X-ray repair cross complementing 2; minus strand). Cytogenetic location: 7q36.1.
Variant type: Indel.
Coding change: c.767_768delinsAG on transcript NM_005431.2 (MANE Select); coding-DNA positions 767 to 768, TT replaced by AG.
Protein change: p.Val256Glu; replaces valine 256 with glutamic acid.
Molecular consequence: missense variant.
Genome position (GRCh38, 1-based): chr7:152,648,717-152,648,718, AA replaced by CT on the plus strand (TT replaced by AG on the coding strand, the reverse complement: XRCC2 is on the minus strand). VCF-style: chr7-152648717-AA-CT. GRCh37 (hg19) VCF-style: chr7-152345802-AA-CT.
Other names: short protein forms V256E.
Identifiers: ClinVar variation 419736 (VCV000419736.1), dbSNP rs1064794074, ClinGen allele CA16618425.
Genomic context (GRCh38, chr7:152,648,717, plus strand): 5'-CCCACTTTCTCCAATAATAAAAAAATGTTTTTTTAAACTGTTACTTTTTAAACAACGTGA[AA>CT]CTAATGAAAATTGGTTGCTGCTTTGAGAATCATCTTGTTTGGAGAAAAACATCCTGTGCT-3'
Protein context (NP_005422.1, residues 246-266): DSQSSNQFSL[Val256Glu]SRCLKSNSLK